The following is an entry in ClinVar:

NM_001009944.3(PKD1):c.2233G>T (p.Ala745Ser)

Gene: PKD1 (polycystin 1, transient receptor potential channel interacting; minus strand). Cytogenetic location: 16p13.3.
Variant type: single nucleotide variant.
Coding change: c.2233G>T on transcript NM_001009944.3 (MANE Select); coding-DNA position 2233, G replaced by T.
Protein change: p.Ala745Ser; replaces alanine 745 with serine.
Molecular consequence: missense variant.
Genome position (GRCh38, 1-based): chr16:2,114,790, C>A on the plus strand (G>T on the coding strand, the complement: PKD1 is on the minus strand). VCF-style: chr16-2114790-C-A. GRCh37 (hg19) VCF-style: chr16-2164791-C-A.
Other names: c.2233G>T (NM_000296.3); c.2233G>T, p.Ala745Ser (NM_000296.4); short protein forms A745S.
Identifiers: ClinVar variation 1313209 (VCV001313209.3), dbSNP rs995499499, ClinGen allele CA394388591.

ClinVar aggregate classification (germline): Uncertain significance. Review status: criteria provided, multiple submitters, no conflicts (2 of 4 stars). 2 submissions from 2 submitters: Uncertain significance (2). Last evaluated 2026-04-28.

Conditions:
Inborn genetic diseases. Identifiers: MedGen C0950123, MeSH D030342.

Allele frequency attached by ClinVar (database versions not stated): gnomAD 0.00001; TOPMed below 0.00001.

Submissions (2):

Ambry Genetics
Classification: Uncertain significance for Inborn genetic diseases. Last evaluated: 2026-04-28. Review status: criteria provided, single submitter. Criteria: Ambry Variant Classification Scheme 2023. Collection method: clinical testing. Allele origin: germline.

GeneDx
Classification: Uncertain significance. Last evaluated: 2020-10-15. Review status: criteria provided, single submitter. Criteria: GeneDx Variant Classification Process June 2021. Collection method: clinical testing. Allele origin: germline. Affected: yes.
Comment: Not observed at a significant frequency in large population cohorts (Lek et al., 2016); In silico analysis supports that this missense variant does not alter protein structure/function; Has not been previously published as pathogenic or benign to our knowledge